The following is an entry in ClinVar:

ClinVar aggregate classification (germline): Likely pathogenic (1 of 4 stars; one submission).

Conditions:
Usher syndrome type 2C. Also called: Usher syndrome, type 2B; USHER SYNDROME, TYPE IIC. Identifiers: Orphanet 231178, Orphanet 886, MedGen C2931213, MONDO:0011558, OMIM 605472.

Submission:

Institute of Rare Diseases, West China Hospital, Sichuan University
Classification: Likely pathogenic for Usher syndrome type 2C. Last evaluated: 2025-01-09. Review status: criteria provided, single submitter. Criteria: ClinGen HL ACMG Specifications v1. Collection method: research. Allele origin: germline. Affected: yes.
Comment: PVS1;PM2_Supporting

NM_032119.4(ADGRV1):c.13852G>T (p.Glu4618Ter)

Gene: ADGRV1 (adhesion G protein-coupled receptor V1; plus strand). Cytogenetic location: 5q14.3.
Variant type: single nucleotide variant.
Coding change: c.13852G>T on transcript NM_032119.4 (MANE Select); coding-DNA position 13852, G replaced by T.
Protein change: p.Glu4618Ter; replaces glutamic acid 4618 with a stop codon.
Molecular consequence: nonsense. On other transcripts: non-coding transcript variant (1).
Genome position (GRCh38, 1-based): chr5:90,788,269, G>T. VCF-style: chr5-90788269-G-T. GRCh37 (hg19) VCF-style: chr5-90084086-G-T.
Other names: short protein forms E4618*.
Identifiers: ClinVar variation 3601349 (VCV003601349.1).